The following is an entry in ClinVar:

ClinVar aggregate classification (germline): Conflicting classifications of pathogenicity. Review status: criteria provided, conflicting classifications (1 of 4 stars). 2 submissions from 2 submitters: Uncertain significance (1); Likely benign (1). Last evaluated 2025-03-07.

Conditions:
Congenital contractural arachnodactyly (CCA). Also called: Arthrogryposis, distal, type 9; BEALS SYNDROME; Beals-Hecht syndrome. Identifiers: Orphanet 115, MedGen C0220668, MONDO:0007363, OMIM 121050.

gnomAD v4.1: 4 of 1,614,194 alleles (0.00025%); highest among the groups gnomAD compares: Non-Finnish European, 0.00034%; no homozygotes.

Submissions (2):

Labcorp Genetics (formerly Invitae), Labcorp
Classification: Likely benign for Congenital contractural arachnodactyly. Last evaluated: 2025-03-07. Review status: criteria provided, single submitter. Criteria: Invitae Variant Classification Sherloc (09022015). Collection method: clinical testing. Allele origin: germline.

GeneDx
Classification: Uncertain significance. Last evaluated: 2019-08-02. Review status: criteria provided, single submitter. Criteria: GeneDx Variant Classification Process June 2021. Collection method: clinical testing. Allele origin: germline. Affected: yes.
Comment: Has not been previously published as pathogenic or benign to our knowledge; Not observed at a significant frequency in large population cohorts (Lek et al., 2016); In silico analysis, which includes protein predictors and evolutionary conservation, supports that this variant does not alter protein structure/function; Does not affect a cysteine residue within a calcium-binding EGF-like domain of the FBN2 gene; cysteine substitutions in the calcium-binding EGF-like domains represent the majority of pathogenic missense changes associated with FBN2-related disorders (Collod-Beroud et al., 2003; Frederic et al., 2009).

NM_001999.4(FBN2):c.1411G>C (p.Val471Leu)

Gene: FBN2 (fibrillin 2; minus strand). Cytogenetic location: 5q23.3.
Variant type: single nucleotide variant.
Coding change: c.1411G>C on transcript NM_001999.4 (MANE Select); coding-DNA position 1411, G replaced by C.
Protein change: p.Val471Leu; replaces valine 471 with leucine.
Molecular consequence: missense variant.
Genome position (GRCh38, 1-based): chr5:128,393,189, C>G on the plus strand (G>C on the coding strand, the complement: FBN2 is on the minus strand). VCF-style: chr5-128393189-C-G. GRCh37 (hg19) VCF-style: chr5-127728882-C-G.
Other names: short protein forms V471L.
Identifiers: ClinVar variation 1307599 (VCV001307599.6), dbSNP rs138046782, ClinGen allele CA3395808.